The following is an entry in ClinVar:

NM_053025.4(MYLK):c.2573A>G (p.Gln858Arg)

Gene: MYLK (myosin light chain kinase; minus strand). Cytogenetic location: 3q21.1.
Variant type: single nucleotide variant.
Coding change: c.2573A>G on transcript NM_053025.4 (MANE Select); coding-DNA position 2573, A replaced by G.
Protein change: p.Gln858Arg; replaces glutamine 858 with arginine.
Molecular consequence: missense variant.
Genome position (GRCh38, 1-based): chr3:123,700,895, T>C on the plus strand (A>G on the coding strand, the complement: MYLK is on the minus strand). VCF-style: chr3-123700895-T-C. GRCh37 (hg19) VCF-style: chr3-123419742-T-C.
Other names: c.2045A>G, p.Gln682Arg (NM_001321309.2); c.2366A>G, p.Gln789Arg (NM_053026.4, NM_053028.4); c.2573A>G, p.Gln858Arg (NM_053027.4); short protein forms Q858R, Q682R, Q789R.
Identifiers: ClinVar variation 1923292 (VCV001923292.5), dbSNP rs2474188837, ClinGen allele CA354232196.

ClinVar aggregate classification (germline): Uncertain significance (1 of 4 stars; one submission).

Conditions:
Aortic aneurysm, familial thoracic 7 (AAT7). Also called: AORTIC DISSECTION, FAMILIAL, WITH OR WITHOUT AORTIC ANEURYSM. Identifiers: MedGen C3151077, MONDO:0013418, OMIM 613780.

Submission:

Labcorp Genetics (formerly Invitae), Labcorp
Classification: Uncertain significance for Aortic aneurysm, familial thoracic 7. Last evaluated: 2023-11-28. Review status: criteria provided, single submitter. Criteria: Invitae Variant Classification Sherloc (09022015). Collection method: clinical testing. Allele origin: germline.
Comment: This sequence change replaces glutamine, which is neutral and polar, with arginine, which is basic and polar, at codon 858 of the MYLK protein (p.Gln858Arg). This variant is not present in population databases (gnomAD no frequency). This variant has not been reported in the literature in individuals affected with MYLK-related conditions. ClinVar contains an entry for this variant (Variation ID: 1923292). Advanced modeling of protein sequence and biophysical properties (such as structural, functional, and spatial information, amino acid conservation, physicochemical variation, residue mobility, and thermodynamic stability) performed at Invitae indicates that this missense variant is not expected to disrupt MYLK protein function with a negative predictive value of 80%. In summary, the available evidence is currently insufficient to determine the role of this variant in disease. Therefore, it has been classified as a Variant of Uncertain Significance.